The following is an entry in ClinVar:

ClinVar aggregate classification (germline): Conflicting classifications of pathogenicity. Review status: criteria provided, conflicting classifications (1 of 4 stars). 3 submissions from 3 submitters: Uncertain significance (2); Benign (1). Last evaluated 2024-10-10.

Conditions:
Charcot-Marie-Tooth disease type 4. Also called: Charcot-Marie-Tooth, Type 4; Charcot-Marie-Tooth disease, type IV. Identifiers: Orphanet 64749, MedGen C4082197, MONDO:0018995.
Charcot-Marie-Tooth disease type 4F. Also called: Charcot-Marie-Tooth disease, demyelinating, type 4F. Identifiers: Orphanet 99952, MedGen C3540453, MONDO:0013959, OMIM 614895.

Allele frequency attached by ClinVar (database versions not stated): gnomAD exomes 0.00004; gnomAD 0.00009 and 0.00016; ESP Exome Variant Server 0.00015; TOPMed 0.00020; 1000 Genomes Project 30x 0.00187; 1000 Genomes Project 0.00240.
gnomAD v4.1: 90 of 1,609,996 alleles (0.0056%); highest among the groups gnomAD compares: East Asian, 0.078%; no homozygotes.

Submissions (3):

GeneDx
Classification: Uncertain significance. Last evaluated: 2024-10-10. Review status: criteria provided, single submitter. Criteria: GeneDx Variant Classification Process June 2021. Collection method: clinical testing. Allele origin: germline. Affected: yes.
Comment: Reported in patients with chemotherapy-induced peripheral neuropathy or Charcot-Marie-Tooth in the published literature; however, zygosity or whether a second variant in the PRX gene was identified was not reported (PMID: 25164601, 25614874, 31372974); Reported as a heterozygous variant in a family with congenital cataract in the published literature; however, a second variant in the PRX gene was not reported (PMID: 27081207); In silico analysis indicates that this missense variant does not alter protein structure/function; This variant is associated with the following publications: (PMID: 25164601, 25614874, 31372974, 27081207)

Labcorp Genetics (formerly Invitae), Labcorp
Classification: Uncertain significance for Charcot-Marie-Tooth disease type 4. Last evaluated: 2022-07-25. Review status: criteria provided, single submitter. Criteria: Invitae Variant Classification Sherloc (09022015). Collection method: clinical testing. Allele origin: germline.
Comment: This sequence change replaces valine, which is neutral and non-polar, with methionine, which is neutral and non-polar, at codon 1225 of the PRX protein (p.Val1225Met). This variant is present in population databases (rs140880177, gnomAD 0.1%). This missense change has been observed in individual(s) with autosomal dominant Charcot-Marie-Tooth disease (PMID: 31372974). ClinVar contains an entry for this variant (Variation ID: 837941). Algorithms developed to predict the effect of missense changes on protein structure and function output the following: SIFT: "Deleterious"; PolyPhen-2: "Possibly Damaging"; Align-GVGD: "Class C0". The methionine amino acid residue is found in multiple mammalian species, which suggests that this missense change does not adversely affect protein function. In summary, the available evidence is currently insufficient to determine the role of this variant in disease. Therefore, it has been classified as a Variant of Uncertain Significance.

Illumina Laboratory Services, Illumina
Classification: Benign for Charcot-Marie-Tooth disease type 4F. Last evaluated: 2017-04-28. Review status: criteria provided, single submitter. Criteria: ICSL Variant Classification Criteria 13 December 2019. Collection method: clinical testing. Allele origin: germline.
Comment: This variant was observed as part of a predisposition screen in an ostensibly healthy population. A literature search was performed for the gene, cDNA change, and amino acid change (where applicable). No publications were found based on this search. Allele frequency data from public databases was too high to be consistent with this variant causing disease. Therefore, this variant is classified as benign.

Literature cited by the submitters: PubMed 31372974 (cited by Labcorp Genetics (formerly Invitae), Labcorp).

NM_181882.3(PRX):c.3673G>A (p.Val1225Met)

Gene: PRX (periaxin; minus strand). Cytogenetic location: 19q13.2.
Variant type: single nucleotide variant.
Coding change: c.3673G>A on transcript NM_181882.3 (MANE Select); coding-DNA position 3673, G replaced by A.
Protein change: p.Val1225Met; replaces valine 1225 with methionine.
Molecular consequence: missense variant. On other transcripts: 3 prime UTR variant (1).
Genome position (GRCh38, 1-based): chr19:40,394,679, C>T on the plus strand (G>A on the coding strand, the complement: PRX is on the minus strand). VCF-style: chr19-40394679-C-T. GRCh37 (hg19) VCF-style: chr19-40900586-C-T.
Other names: c.*3878G>A (NM_020956.2); short protein forms V1225M.
Identifiers: ClinVar variation 837941 (VCV000837941.11), dbSNP rs140880177, ClinGen allele CA9443813.